The following is an entry in ClinVar:

NM_130811.4(SNAP25):c.553-4C>T

Gene: SNAP25 (synaptosome associated protein 25; plus strand). Cytogenetic location: 20p12.2.
Variant type: single nucleotide variant.
Coding change: c.553-4C>T on transcript NM_130811.4 (MANE Select); 4 bases into the intron before coding-DNA position 553, C replaced by T.
Molecular consequence: intron variant.
Genome position (GRCh38, 1-based): chr20:10,306,125, C>T. VCF-style: chr20-10306125-C-T. GRCh37 (hg19) VCF-style: chr20-10286773-C-T.
Other names: p.?; c.553-4C>T (NM_130811.3, NM_001322907.2, NM_001322910.2 and 8 more transcripts).
Identifiers: ClinVar variation 476115 (VCV000476115.60), dbSNP rs79020892, ClinGen allele CA9763408.

ClinVar aggregate classification (germline): Benign. Review status: criteria provided, multiple submitters, no conflicts (2 of 4 stars). 6 submissions from 6 submitters: Benign (6). Last evaluated 2026-02-03.

Conditions:
Inborn genetic diseases. Identifiers: MedGen C0950123, MeSH D030342.
Congenital myasthenic syndrome 18. Also called: MYASTHENIC SYNDROME, CONGENITAL, 18, WITH INTELLECTUAL DISABILITY AND ATAXIA. Identifiers: Orphanet 590, MedGen C4225364, MONDO:0014590, OMIM 616330.

Allele frequency attached by ClinVar (database versions not stated): gnomAD exomes 0.00178 and 0.00426; ExAC 0.00540; gnomAD 0.01673 and 0.01788; TOPMed 0.01841; ESP Exome Variant Server 0.01945; 1000 Genomes Project 0.02057; 1000 Genomes Project 30x 0.02311.
gnomAD v4.1: 5,253 of 1,613,448 alleles (0.33%); highest among the groups gnomAD compares: African/African-American, 5.8%; 132 homozygotes.

Submissions (6):

Labcorp Genetics (formerly Invitae), Labcorp
Classification: Benign for Congenital myasthenic syndrome 18. Last evaluated: 2026-02-03. Review status: criteria provided, single submitter. Criteria: Invitae Variant Classification Sherloc (09022015). Collection method: clinical testing. Allele origin: germline.

Athena Diagnostics
Classification: Benign. Last evaluated: 2024-12-31. Review status: criteria provided, single submitter. Criteria: Athena Diagnostics Criteria. Collection method: clinical testing. Allele origin: unknown.
Comment: The frequency of this variant in the general population is higher than would generally be expected for pathogenic variants in this gene.

Mayo Clinic Laboratories, Mayo Clinic
Classification: Benign. Last evaluated: 2024-10-31. Review status: criteria provided, single submitter. Criteria: ACMG Guidelines, 2015. Collection method: clinical testing. Allele origin: germline. Observed: 12 variant alleles.

GeneDx
Classification: Benign. Last evaluated: 2021-04-02. Review status: criteria provided, single submitter. Criteria: GeneDx Variant Classification Process June 2021. Collection method: clinical testing. Allele origin: germline. Affected: yes.

Ambry Genetics
Classification: Benign for Inborn genetic diseases. Last evaluated: 2016-05-02. Review status: criteria provided, single submitter. Criteria: Ambry Variant Classification Scheme 2023. Collection method: clinical testing. Allele origin: germline.

Breakthrough Genomics
Classification: Benign. Review status: criteria provided, single submitter. Criteria: ACMG Guidelines, 2015. Collection method: not provided. Allele origin: germline. Inheritance: Autosomal dominant inheritance. Affected: yes.